The following is an entry in ClinVar:

NM_000238.4(KCNH2):c.2719G>A (p.Ala907Thr)

Gene: KCNH2 (potassium voltage-gated channel subfamily H member 2; minus strand). Cytogenetic location: 7q36.1.
Variant type: single nucleotide variant.
Coding change: c.2719G>A on transcript NM_000238.4 (MANE Select); coding-DNA position 2719, G replaced by A.
Protein change: p.Ala907Thr; replaces alanine 907 with threonine.
Molecular consequence: missense variant.
Genome position (GRCh38, 1-based): chr7:150,947,852, C>T on the plus strand (G>A on the coding strand, the complement: KCNH2 is on the minus strand). VCF-style: chr7-150947852-C-T. GRCh37 (hg19) VCF-style: chr7-150644940-C-T.
Other names: p.A907T:GCC>ACC; c.2431G>A, p.Ala811Thr (NM_001406753.1); c.1699G>A, p.Ala567Thr (NM_172057.3); short protein forms A567T, A907T, A811T.
Identifiers: ClinVar variation 200486 (VCV000200486.12), dbSNP rs752686806, ClinGen allele CA007213.

ClinVar aggregate classification (germline): Uncertain significance. Review status: criteria provided, multiple submitters, no conflicts (2 of 4 stars). 2 submissions from 2 submitters: Uncertain significance (2). Last evaluated 2019-05-08.

Conditions:
Long QT syndrome (LQTS). Identifiers: MedGen C0023976, MeSH D008133, MONDO:0002442. Disease mechanism: loss of function. Inheritance: Various modes of inheritance.

Submissions (2):

Labcorp Genetics (formerly Invitae), Labcorp
Classification: Uncertain significance for Long QT syndrome. Last evaluated: 2019-05-08. Review status: criteria provided, single submitter. Criteria: Invitae Variant Classification Sherloc (09022015). Collection method: clinical testing. Allele origin: germline.
Comment: In summary, the available evidence is currently insufficient to determine the role of this variant in disease. Therefore, it has been classified as a Variant of Uncertain Significance. Algorithms developed to predict the effect of missense changes on protein structure and function output the following: SIFT: "Tolerated"; PolyPhen-2: "Benign"; Align-GVGD: "Class C0". The threonine amino acid residue is found in multiple mammalian species, suggesting that this missense change does not adversely affect protein function. These predictions have not been confirmed by published functional studies and their clinical significance is uncertain. This variant has not been reported in the literature in individuals with KCNH2-related conditions. ClinVar contains an entry for this variant (Variation ID: 200486). The frequency data for this variant in the population databases is considered unreliable, as metrics indicate insufficient coverage at this position in the ExAC database. This sequence change replaces alanine with threonine at codon 907 of the KCNH2 protein (p.Ala907Thr). The alanine residue is weakly conserved and there is a small physicochemical difference between alanine and threonine.

GeneDx
Classification: Uncertain significance. Last evaluated: 2014-05-14. Review status: criteria provided, single submitter. Criteria: GeneDx Variant Classification (06012015). Collection method: clinical testing. Allele origin: germline. Affected: yes.
Comment: p.Ala907Thr (GCC>ACC): c.2719 G>A in exon 12 of the KCNH2 gene (NM_000238.2). A variant of unknown significance has been identified in the KCNH2 gene. The A907T variant has not been published as a mutation, nor has it been reported as a benign polymorphism to our knowledge. The A907T variant was not observed in approximately 3000 individuals of European and African American ancestry in the NHLBI Exome Sequencing Project, indicating it is not a common benign variant in these population. The A907T variant is a non-conservative amino acid substitution, which is likely to impact secondary protein structure as these residues differ in polarity, charge, size and/or other properties. Missense mutations in nearby residues (S906L, A913V) have been reported in association with LQTS, supporting the functional importance of this region of the protein. However, this substitution occurs at a position that is not conserved across species and in silico analysis predicts this variant likely does not alter the protein structure/function. Therefore, based on the currently available information, it is unclear whether this variant is a pathogenic mutation or a rare benign variant. The variant is found in ARRHYTHMIA panel(s).